The following is an entry in ClinVar:

ClinVar aggregate classification (germline): Uncertain significance (1 of 4 stars; one submission).

Conditions:
Nephronophthisis. Also called: Juvenile Nephronophthisis. Identifiers: Orphanet 655, MedGen C0687120, MONDO:0019005, HP:0000090.

gnomAD v4.1: 1 of 1,603,796 alleles (0.000062%); highest among the groups gnomAD compares: Admixed American, 0.0017%; no homozygotes.

Submission:

Labcorp Genetics (formerly Invitae), Labcorp
Classification: Uncertain significance for Nephronophthisis. Last evaluated: 2023-12-27. Review status: criteria provided, single submitter. Criteria: Invitae Variant Classification Sherloc (09022015). Collection method: clinical testing. Allele origin: germline.
Comment: This sequence change falls in intron 4 of the NPHP4 gene. It does not directly change the encoded amino acid sequence of the NPHP4 protein. It affects a nucleotide within the consensus splice site. The frequency data for this variant in the population databases is considered unreliable, as metrics indicate poor data quality at this position in the gnomAD database. This variant has been observed in individual(s) with nephronophthisis (Invitae). Variants that disrupt the consensus splice site are a relatively common cause of aberrant splicing (PMID: 17576681, 9536098). Algorithms developed to predict the effect of sequence changes on RNA splicing suggest that this variant may disrupt the consensus splice site. In summary, the available evidence is currently insufficient to determine the role of this variant in disease. Therefore, it has been classified as a Variant of Uncertain Significance.

Literature cited by the submitters: PubMed 17576681; PubMed 9536098.

NM_015102.5(NPHP4):c.453-3C>G

Gene: NPHP4 (nephrocystin 4; minus strand). Cytogenetic location: 1p36.31.
Variant type: single nucleotide variant.
Coding change: c.453-3C>G on transcript NM_015102.5 (MANE Select); 3 bases into the intron before coding-DNA position 453, C replaced by G.
Molecular consequence: intron variant.
Genome position (GRCh38, 1-based): chr1:5,967,366, G>C on the plus strand (C>G on the coding strand, the complement: NPHP4 is on the minus strand). VCF-style: chr1-5967366-G-C. GRCh37 (hg19) VCF-style: chr1-6027426-G-C.
Other names: c.-914-3C>G (NM_001291594.2); c.-777-3C>G (NM_001291593.2).
Identifiers: ClinVar variation 2844103 (VCV002844103.3), dbSNP rs1245816130, ClinGen allele CA520732956.